The following is an entry in ClinVar:

NM_001385012.1(NBEA):c.1035T>C (p.Tyr345=)

Gene: NBEA (neurobeachin; plus strand). Cytogenetic location: 13q13.3.
Variant type: single nucleotide variant.
Coding change: c.1035T>C on transcript NM_001385012.1 (MANE Select); coding-DNA position 1035, T replaced by C.
Protein change: p.Tyr345=; no amino-acid change (tyrosine 345 retained).
Molecular consequence: synonymous variant.
Genome position (GRCh38, 1-based): chr13:35,056,072, T>C. VCF-style: chr13-35056072-T-C. GRCh37 (hg19) VCF-style: chr13-35630209-T-C.
Other names: c.1035T>C, p.Tyr345= (NM_001379245.1, NM_015678.5).
Identifiers: ClinVar variation 4873731 (VCV004873731.2).

ClinVar aggregate classification (germline): Likely benign (1 of 4 stars; one submission).

gnomAD v4.1: 32 of 1,607,138 alleles (0.002%); highest among the groups gnomAD compares: Admixed American, 0.044%; no homozygotes.

Submission:

CeGaT Center for Human Genetics Tuebingen
Classification: Likely benign. Last evaluated: 2026-05-01. Review status: criteria provided, single submitter. Criteria: CeGaT Center For Human Genetics Tuebingen Variant Classification Criteria Version 2. Collection method: clinical testing. Allele origin: germline. Affected: yes. Observed: 1 variant allele.
Comment: NBEA: BP4, BP7